The following is an entry in ClinVar:

ClinVar aggregate classification (germline): Uncertain significance (1 of 4 stars; one submission).

Conditions:
Hypertrophic cardiomyopathy. Also called: HYPERTROPHIC MYOCARDIOPATHY. Identifiers: Orphanet 217569, MedGen C0007194, MeSH D002312, MONDO:0005045, HP:0001639.

gnomAD v4.1: 1 of 1,593,636 alleles (0.000063%); highest among the groups gnomAD compares: Non-Finnish European, 0.000085%; no homozygotes.

Submission:

All of Us Research Program, National Institutes of Health
Classification: Uncertain significance for Hypertrophic cardiomyopathy. Last evaluated: 2023-10-02. Review status: criteria provided, single submitter. Criteria: ACMG Guidelines, 2015. Collection method: clinical testing. Allele origin: germline. Inheritance: Autosomal dominant inheritance. Observed: 1 variant allele, 1 heterozygote.
Comment: This variant is located in the 5' untranslated region of the MYBPC3 gene. To our knowledge, functional studies have not been reported for this variant. This variant has not been reported in individuals affected with MYBPC3-related disorders in the literature. This variant has been identified in 1/229118 chromosomes in the general population by the Genome Aggregation Database (gnomAD). The available evidence is insufficient to determine the role of this variant in disease conclusively. Therefore, this variant is classified as a Variant of Uncertain Significance.

This study involves interpretation of variants in research participants for the purpose of population health screening. Participant phenotype was not available at the time of variant classification. Additional details can be found in publication PMID: 35346344, PMCID: PMC8962531

NM_000256.3(MYBPC3):c.-6C>G

Gene: MYBPC3 (myosin binding protein C3; minus strand). Cytogenetic location: 11p11.2.
Variant type: single nucleotide variant.
Coding change: c.-6C>G on transcript NM_000256.3 (MANE Select); 6 bases upstream of the start codon, C replaced by G.
Molecular consequence: 5 prime UTR variant.
Genome position (GRCh38, 1-based): chr11:47,352,653, G>C on the plus strand (C>G on the coding strand, the complement: MYBPC3 is on the minus strand). VCF-style: chr11-47352653-G-C. GRCh37 (hg19) VCF-style: chr11-47374204-G-C.
Identifiers: ClinVar variation 3073544 (VCV003073544.1), dbSNP rs1301251488, ClinGen allele CA599061094.